The following is an entry in ClinVar:

NM_001308093.3(GATA4):c.784C>G (p.Leu262Val)

Gene: GATA4 (GATA binding protein 4). Cytogenetic location: 8p23.1.
Variant type: single nucleotide variant.
Coding change: c.784C>G on transcript NM_001308093.3 (MANE Select); coding-DNA position 784, C replaced by G.
Protein change: p.Leu262Val; replaces leucine 262 with valine.
Molecular consequence: missense variant.
Genome position (GRCh38, 1-based): chr8:11,749,083, C>G. VCF-style: chr8-11749083-C-G. GRCh37 (hg19) VCF-style: chr8-11606592-C-G.
Other names: c.781C>G (NM_002052.3); c.163C>G, p.Leu55Val (NM_001308094.2, NM_001374273.1, NM_001374274.1); c.781C>G, p.Leu261Val (NM_002052.5); short protein forms L261V, L262V, L55V.
Identifiers: ClinVar variation 1053517 (VCV001053517.10), dbSNP rs759095800, ClinGen allele CA4630675.
Genomic context (GRCh38, chr8:11,749,083, plus strand): 5'-TGCGGCCTCTACCACAAGATGAACGGCATCAACCGGCCGCTCATCAAGCCTCAGCGCCGG[C>G]TGGTAAGCACGTGCCTCGCAGCCTCCTCTGGGCACCTGGCTGCGGAGCTCTCGCCTTGGT-3'
Protein context (NP_001295022.1, residues 252-272): NRPLIKPQRR[Leu262Val]SASRRVGLSC

ClinVar aggregate classification (germline): Uncertain significance. Review status: criteria provided, multiple submitters, no conflicts (2 of 4 stars). 2 submissions from 2 submitters: Uncertain significance (2). Last evaluated 2023-12-18.

Conditions:
Atrioventricular septal defect 4 (AVSD4). Identifiers: MedGen C3280781, MONDO:0013747, OMIM 614430.

Allele frequency attached by ClinVar (database versions not stated): ExAC 0.00001; gnomAD 0.00001; gnomAD exomes 0.00001.
gnomAD v4.1: 12 of 1,613,990 alleles (0.00074%); highest among the groups gnomAD compares: South Asian, 0.011%; no homozygotes.

Submissions (2):

GeneDx
Classification: Uncertain significance. Last evaluated: 2023-12-18. Review status: criteria provided, single submitter. Criteria: GeneDx Variant Classification Process June 2021. Collection method: clinical testing. Allele origin: germline. Affected: yes.
Comment: Not observed at significant frequency in large population cohorts (gnomAD); In silico analysis supports that this missense variant does not alter protein structure/function; Has not been previously published as pathogenic or benign to our knowledge

Labcorp Genetics (formerly Invitae), Labcorp
Classification: Uncertain significance for Atrioventricular septal defect 4. Last evaluated: 2020-07-30. Review status: criteria provided, single submitter. Criteria: Invitae Variant Classification Sherloc (09022015). Collection method: clinical testing. Allele origin: germline.
Comment: Algorithms developed to predict the effect of missense changes on protein structure and function (SIFT, PolyPhen-2, Align-GVGD) all suggest that this variant is likely to be tolerated, but these predictions have not been confirmed by published functional studies and their clinical significance is uncertain. In summary, the available evidence is currently insufficient to determine the role of this variant in disease. Therefore, it has been classified as a Variant of Uncertain Significance. This variant has not been reported in the literature in individuals with GATA4-related conditions. This variant is present in population databases (rs759095800, ExAC 0.006%). This sequence change replaces leucine with valine at codon 261 of the GATA4 protein (p.Leu261Val). The leucine residue is moderately conserved and there is a small physicochemical difference between leucine and valine.